The following is an entry in ClinVar:

NM_012123.4(MTO1):c.667C>G (p.Gln223Glu)

Gene: MTO1 (mitochondrial tRNA translation optimization 1; plus strand). Cytogenetic location: 6q13.
Variant type: single nucleotide variant.
Coding change: c.667C>G on transcript NM_012123.4 (MANE Select); coding-DNA position 667, C replaced by G.
Protein change: p.Gln223Glu; replaces glutamine 223 with glutamic acid.
Molecular consequence: missense variant.
Genome position (GRCh38, 1-based): chr6:73,473,496, C>G. VCF-style: chr6-73473496-C-G. GRCh37 (hg19) VCF-style: chr6-74183219-C-G.
Other names: c.667C>G, p.Gln223Glu (NM_001123226.2, NM_133645.3); short protein forms Q223E.
Identifiers: ClinVar variation 2089237 (VCV002089237.4), dbSNP rs2150031480, ClinGen allele CA364713791.

ClinVar aggregate classification (germline): Uncertain significance (1 of 4 stars; one submission).

Conditions:
Mitochondrial hypertrophic cardiomyopathy with lactic acidosis due to MTO1 deficiency. Also called: CARDIOMYOPATHY, INFANTILE HYPERTROPHIC MITOCHONDRIAL, AND LACTIC ACIDOSIS; Combined oxidative phosphorylation deficiency 10. Identifiers: Orphanet 314637, MedGen C4749921, MONDO:0013865, OMIM 614702.

Allele frequency attached by ClinVar (database versions not stated): gnomAD exomes 0.00001.
gnomAD v4.1: 13 of 1,614,098 alleles (0.00081%); highest among the groups gnomAD compares: Non-Finnish European, 0.0011%; no homozygotes.

Submission:

Labcorp Genetics (formerly Invitae), Labcorp
Classification: Uncertain significance for Mitochondrial hypertrophic cardiomyopathy with lactic acidosis due to MTO1 deficiency. Last evaluated: 2022-01-23. Review status: criteria provided, single submitter. Criteria: Invitae Variant Classification Sherloc (09022015). Collection method: clinical testing. Allele origin: germline.
Comment: This sequence change replaces glutamine, which is neutral and polar, with glutamic acid, which is acidic and polar, at codon 223 of the MTO1 protein (p.Gln223Glu). This variant is not present in population databases (gnomAD no frequency). This variant has not been reported in the literature in individuals affected with MTO1-related conditions. Algorithms developed to predict the effect of missense changes on protein structure and function (SIFT, PolyPhen-2, Align-GVGD) all suggest that this variant is likely to be tolerated. In summary, the available evidence is currently insufficient to determine the role of this variant in disease. Therefore, it has been classified as a Variant of Uncertain Significance.